The following is an entry in ClinVar:

NM_005751.5(AKAP9):c.5233G>C (p.Val1745Leu)

Gene: AKAP9 (A-kinase anchoring protein 9; plus strand). Cytogenetic location: 7q21.2.
Variant type: single nucleotide variant.
Coding change: c.5233G>C on transcript NM_005751.5 (MANE Select); coding-DNA position 5233, G replaced by C.
Protein change: p.Val1745Leu; replaces valine 1745 with leucine.
Molecular consequence: missense variant.
Genome position (GRCh38, 1-based): chr7:92,045,078, G>C. VCF-style: chr7-92045078-G-C. GRCh37 (hg19) VCF-style: chr7-91674392-G-C.
Other names: c.5233G>C, p.Val1745Leu (NM_147185.3); short protein forms V1745L.
Identifiers: ClinVar variation 412016 (VCV000412016.11), dbSNP rs1060503578, ClinGen allele CA16612277.

ClinVar aggregate classification (germline): Uncertain significance. Review status: criteria provided, multiple submitters, no conflicts (2 of 4 stars). 2 submissions from 2 submitters: Uncertain significance (2). Last evaluated 2020-11-16.

Conditions:
Long QT syndrome (LQTS). Identifiers: MedGen C0023976, MeSH D008133, MONDO:0002442. Disease mechanism: loss of function. Inheritance: Various modes of inheritance.

Submissions (2):

Labcorp Genetics (formerly Invitae), Labcorp
Classification: Uncertain significance for Long QT syndrome. Last evaluated: 2020-11-16. Review status: criteria provided, single submitter. Criteria: Invitae Variant Classification Sherloc (09022015). Collection method: clinical testing. Allele origin: germline.
Comment: In summary, this variant is a novel missense change that is not predicted to affect protein function. There is no indication that it causes disease, but the available evidence is currently insufficient to prove that conclusively. Therefore, it has been classified as a Variant of Uncertain Significance. Algorithms developed to predict the effect of missense changes on protein structure and function (SIFT, PolyPhen-2, Align-GVGD) all suggest that this variant is likely to be tolerated, but these predictions have not been confirmed by published functional studies. This variant is not present in population databases (ExAC no frequency) and has not been reported in the literature in individuals with a AKAP9-related disease. This sequence change replaces valine with leucine at codon 1745 of the AKAP9 protein (p.Val1745Leu). The valine residue is weakly conserved and there is a small physicochemical difference between valine and leucine.

Stanford Center for Inherited Cardiovascular Disease, Stanford University
Classification: Uncertain significance. Last evaluated: 2016-12-05. Review status: criteria provided, single submitter. Criteria: ACMG Guidelines, 2015. Collection method: provider interpretation. Allele origin: germline.